The following is an entry in ClinVar:

ClinVar aggregate classification (germline): Likely benign (1 of 4 stars; one submission).

Allele frequency attached by ClinVar (database versions not stated): 1000 Genomes Project 30x 0.00016; 1000 Genomes Project 0.00040; ExAC 0.00107; ESP Exome Variant Server 0.00033.

Submission:

CeGaT Center for Human Genetics Tuebingen
Classification: Likely benign. Last evaluated: 2023-03-01. Review status: criteria provided, single submitter. Criteria: CeGaT Center For Human Genetics Tuebingen Variant Classification Criteria Version 2. Collection method: clinical testing. Allele origin: germline. Affected: yes. Observed: 3 variant alleles.
Comment: DMBT1: BP4, BP7

NM_001377530.1(DMBT1):c.1755T>C (p.His585=)

Gene: DMBT1 (deleted in malignant brain tumors 1; plus strand). Cytogenetic location: 10q26.13.
Variant type: single nucleotide variant.
Coding change: c.1755T>C on transcript NM_001377530.1 (MANE Select); coding-DNA position 1755, T replaced by C.
Protein change: p.His585=; no amino-acid change (histidine 585 retained).
Molecular consequence: synonymous variant. On other transcripts: intron variant (1).
Genome position (GRCh38, 1-based): chr10:122,586,355, T>C. VCF-style: chr10-122586355-T-C. GRCh37 (hg19) VCF-style: chr10-124345871-T-C.
Other names: c.1755T>C, p.His585= (NM_001320644.2, NM_007329.3); c.1725T>C, p.His575= (NM_017579.3); c.1420+2004T>C (NM_004406.3).
Identifiers: ClinVar variation 2640919 (VCV002640919.24), dbSNP rs367868701, ClinGen allele CA5726909.